The following is an entry in ClinVar:

ClinVar aggregate classification (germline): Uncertain significance (1 of 4 stars; one submission).

Conditions:
PLXNA1-related disorder. Also called: PLXNA1-related condition.

gnomAD v4.1: 2 of 1,612,972 alleles (0.00012%); highest among the groups gnomAD compares: African/African-American, 0.0027%; no homozygotes.

Submission:

PreventionGenetics, part of Exact Sciences
Classification: Uncertain significance for PLXNA1-related condition. Last evaluated: 2025-02-04. Review status: criteria provided, single submitter. Criteria: ACMG Guidelines, 2015. Collection method: clinical testing. Allele origin: germline.
Comment: The PLXNA1 c.1140G>C variant is predicted to result in the amino acid substitution p.Glu380Asp. To our knowledge, this variant has not been reported in the literature. This variant is reported in 0.0062% of alleles in individuals of African descent in gnomAD. At this time, the clinical significance of this variant is uncertain due to the absence of conclusive functional and genetic evidence.

NM_032242.4(PLXNA1):c.1140G>C (p.Glu380Asp)

Gene: PLXNA1 (plexin A1; plus strand). Cytogenetic location: 3q21.3.
Variant type: single nucleotide variant.
Coding change: c.1140G>C on transcript NM_032242.4 (MANE Select); coding-DNA position 1140, G replaced by C.
Protein change: p.Glu380Asp; replaces glutamic acid 380 with aspartic acid.
Molecular consequence: missense variant.
Genome position (GRCh38, 1-based): chr3:126,989,733, G>C. VCF-style: chr3-126989733-G-C. GRCh37 (hg19) VCF-style: chr3-126708576-G-C.
Other names: short protein forms E380D.
Identifiers: ClinVar variation 5001081 (VCV005001081.1).